The following is an entry in ClinVar:

ClinVar aggregate classification (germline): Uncertain significance. Review status: criteria provided, multiple submitters, no conflicts (2 of 4 stars). 4 submissions from 4 submitters: Uncertain significance (4). Last evaluated 2024-04-09.

Conditions:
Inborn genetic diseases. Identifiers: MedGen C0950123, MeSH D030342.
Epidermolysis bullosa simplex 5B, with muscular dystrophy (EBS5B). Also called: Epidermolysis bullosa simplex with muscular dystrophy; EPIDERMOLYSIS BULLOSA SIMPLEX AND LIMB-GIRDLE MUSCULAR DYSTROPHY. Identifiers: Orphanet 257, MedGen C2931072, MONDO:0009181, OMIM 226670.
Epidermolysis bullosa simplex, Ogna type (EBS5A). Also called: Pidermolysis bullosa simplex 5A, Ogna type; EPIDERMOLYSIS BULLOSA SIMPLEX 5A, OGNA TYPE. Identifiers: Orphanet 79401, MedGen C0432317, MONDO:0007555, OMIM 131950.
Epidermolysis bullosa simplex with nail dystrophy (EBS5D). Identifiers: MedGen C4225309, MONDO:0014661, OMIM 616487.
Autosomal recessive limb-girdle muscular dystrophy type 2Q (LGMDR17). Also called: MUSCULAR DYSTROPHY, LIMB-GIRDLE, AUTOSOMAL RECESSIVE 17. Identifiers: Orphanet 254361, MedGen C3150989, MONDO:0013390, OMIM 613723.
Epidermolysis bullosa simplex 5C, with pyloric atresia (EBS5C). Also called: PLEC-Related Epidermolysis Bullosa with Pyloric Atresia; Epidermolysis bullosa simplex with pyloric atresia; PLEC1-Related Epidermolysis Bullosa with Pyloric Atresia. Identifiers: Orphanet 158684, MedGen C2677349, MONDO:0012807, OMIM 612138.

Allele frequency attached by ClinVar (database versions not stated): gnomAD exomes 0.00001 and 0.00005; TOPMed 0.00002; gnomAD 0.00001.
gnomAD v4.1: 68 of 1,612,782 alleles (0.0042%); highest among the groups gnomAD compares: Non-Finnish European, 0.0054%; no homozygotes.

Submissions (4):

Ambry Genetics
Classification: Uncertain significance for Inborn genetic diseases. Last evaluated: 2024-04-09. Review status: criteria provided, single submitter. Criteria: Ambry Variant Classification Scheme 2023. Collection method: clinical testing. Allele origin: germline.

Labcorp Genetics (formerly Invitae), Labcorp
Classification: Uncertain significance for Autosomal recessive limb-girdle muscular dystrophy type 2Q; Epidermolysis bullosa simplex, Ogna type; Epidermolysis bullosa simplex with nail dystrophy; Epidermolysis bullosa simplex 5C, with pyloric atresia; Epidermolysis bullosa simplex 5B, with muscular dystrophy. Last evaluated: 2021-11-29. Review status: criteria provided, single submitter. Criteria: Invitae Variant Classification Sherloc (09022015). Collection method: clinical testing. Allele origin: germline.
Comment: This variant has not been reported in the literature in individuals affected with PLEC-related conditions. ClinVar contains an entry for this variant (Variation ID: 595342). Algorithms developed to predict the effect of missense changes on protein structure and function (SIFT, PolyPhen-2, Align-GVGD) all suggest that this variant is likely to be disruptive. In summary, the available evidence is currently insufficient to determine the role of this variant in disease. Therefore, it has been classified as a Variant of Uncertain Significance. This variant is present in population databases (no rsID available, gnomAD 0.002%). This sequence change replaces alanine, which is neutral and non-polar, with threonine, which is neutral and polar, at codon 4235 of the PLEC protein (p.Ala4235Thr).

Revvity Omics, Revvity
Classification: Uncertain significance. Last evaluated: 2019-09-20. Review status: criteria provided, single submitter. Criteria: ACMG Guidelines, 2015. Collection method: clinical testing. Allele origin: germline.

Eurofins Ntd Llc (ga)
Classification: Uncertain significance. Last evaluated: 2017-12-11. Review status: criteria provided, single submitter. Criteria: EGL Classification Definitions 2015. Collection method: clinical testing. Allele origin: germline. Observed: 1 variant allele, 1 heterozygote.

NM_201384.3(PLEC):c.12622G>A (p.Ala4208Thr)

Gene: PLEC (plectin; minus strand). Cytogenetic location: 8q24.3.
Variant type: single nucleotide variant.
Coding change: c.12622G>A on transcript NM_201384.3 (MANE Select); coding-DNA position 12622, G replaced by A.
Protein change: p.Ala4208Thr; replaces alanine 4208 with threonine.
Molecular consequence: missense variant.
Genome position (GRCh38, 1-based): chr8:143,917,199, C>T on the plus strand (G>A on the coding strand, the complement: PLEC is on the minus strand). VCF-style: chr8-143917199-C-T. GRCh37 (hg19) VCF-style: chr8-144991367-C-T.
Other names: c.12703G>A, p.Ala4235Thr (NM_000445.5); c.12580G>A, p.Ala4194Thr (NM_201378.4); c.12556G>A, p.Ala4186Thr (NM_201379.3); c.13033G>A, p.Ala4345Thr (NM_201380.4); c.12526G>A, p.Ala4176Thr (NM_201381.3); c.12622G>A, p.Ala4208Thr (NM_201382.4); c.12634G>A, p.Ala4212Thr (NM_201383.3); c.12703G>A (NM_000445.3); short protein forms A4194T, A4208T, A4212T, A4235T, A4345T, A4176T, A4186T.
Identifiers: ClinVar variation 595342 (VCV000595342.13), dbSNP rs1212706018, ClinGen allele CA372480206.
Genomic context (GRCh38, chr8:143,917,199, plus strand): 5'-AGAGCGTGCCGGCGCGGTACTGGTCCAGTGCCGAGCGGTCGATGAGGTTCTTGGCGATGG[C>T]ATCATCGATGTCGTACTGGCGCCCGGAGCGGCGGTCGATGATCATGGACTTGACCACGCC-3'
Protein context (NP_958786.1, residues 4198-4218): RSGRQYDIDD[Ala4208Thr]IAKNLIDRSA